The following is an entry in ClinVar:

ClinVar aggregate classification (germline): Uncertain significance (1 of 4 stars; one submission).

Conditions:
Inborn genetic diseases. Identifiers: MedGen C0950123, MeSH D030342.

Submission:

Ambry Genetics
Classification: Uncertain significance for Inborn genetic diseases. Last evaluated: 2021-06-15. Review status: criteria provided, single submitter. Criteria: Ambry Variant Classification Scheme 2023. Collection method: clinical testing. Allele origin: germline.
Comment: The p.D963V variant (also known as c.2888A>T), located in coding exon 14 of the ATR gene, results from an A to T substitution at nucleotide position 2888. The aspartic acid at codon 963 is replaced by valine, an amino acid with highly dissimilar properties. This amino acid position is conserved. In addition, the in silico prediction for this alteration is inconclusive. Since supporting evidence is limited at this time, the clinical significance of this alteration remains unclear.

NM_001184.4(ATR):c.2888A>T (p.Asp963Val)

Gene: ATR (ATR checkpoint kinase; minus strand). Cytogenetic location: 3q23.
Variant type: single nucleotide variant.
Coding change: c.2888A>T on transcript NM_001184.4 (MANE Select); coding-DNA position 2888, A replaced by T.
Protein change: p.Asp963Val; replaces aspartic acid 963 with valine.
Molecular consequence: missense variant.
Genome position (GRCh38, 1-based): chr3:142,550,220, T>A on the plus strand (A>T on the coding strand, the complement: ATR is on the minus strand). VCF-style: chr3-142550220-T-A. GRCh37 (hg19) VCF-style: chr3-142269062-T-A.
Other names: c.2696A>T, p.Asp899Val (NM_001354579.2); short protein forms D899V, D963V.
Identifiers: ClinVar variation 1797242 (VCV001797242.2), dbSNP rs985214824, ClinGen allele CA354812844.